The following is an entry in ClinVar:

ClinVar aggregate classification (germline): Uncertain significance (1 of 4 stars; one submission).

Submission:

GeneDx
Classification: Uncertain significance. Last evaluated: 2024-11-12. Review status: criteria provided, single submitter. Criteria: GeneDx Variant Classification Process June 2021. Collection method: clinical testing. Allele origin: germline. Affected: yes.
Comment: Not observed at significant frequency in large population cohorts (gnomAD); In silico analysis supports that this missense variant has a deleterious effect on protein structure/function; Has not been previously published as pathogenic or benign to our knowledge

NM_015937.6(PIGT):c.443C>A (p.Thr148Asn)

Gene: PIGT (phosphatidylinositol glycan anchor biosynthesis class T; plus strand). Cytogenetic location: 20q13.12.
Variant type: single nucleotide variant.
Coding change: c.443C>A on transcript NM_015937.6 (MANE Select); coding-DNA position 443, C replaced by A.
Protein change: p.Thr148Asn; replaces threonine 148 with asparagine.
Molecular consequence: missense variant. On other transcripts: non-coding transcript variant (3), intron variant (2).
Genome position (GRCh38, 1-based): chr20:45,418,929, C>A. VCF-style: chr20-45418929-C-A. GRCh37 (hg19) VCF-style: chr20-44047569-C-A.
Other names: c.443C>A, p.Thr148Asn (NM_001184729.3); c.326-366C>A (NM_001184728.3); c.188-366C>A (NM_001184730.3); short protein forms T148N.
Identifiers: ClinVar variation 3899197 (VCV003899197.1).